The following is an entry in ClinVar:

NM_006295.3(VARS1):c.3655C>T (p.Arg1219Trp)

Gene: VARS1 (valyl-tRNA synthetase 1; minus strand). Cytogenetic location: 6p21.33.
Variant type: single nucleotide variant.
Coding change: c.3655C>T on transcript NM_006295.3 (MANE Select); coding-DNA position 3655, C replaced by T.
Protein change: p.Arg1219Trp; replaces arginine 1219 with tryptophan.
Molecular consequence: missense variant.
Genome position (GRCh38, 1-based): chr6:31,779,038, G>A on the plus strand (C>T on the coding strand, the complement: VARS1 is on the minus strand). VCF-style: chr6-31779038-G-A. GRCh37 (hg19) VCF-style: chr6-31746815-G-A.
Other names: short protein forms R1219W.
Identifiers: ClinVar variation 1031627 (VCV001031627.1), dbSNP rs757787598, ClinGen allele CA3722618.

ClinVar aggregate classification (germline): Uncertain significance (1 of 4 stars; one submission).

Conditions:
Neurodevelopmental disorder with microcephaly, seizures, and cortical atrophy. Identifiers: MedGen C4540493, MONDO:0060621, OMIM 617802.

Allele frequency attached by ClinVar (database versions not stated): ExAC 0.00001; gnomAD 0.00001; gnomAD exomes 0.00001 and 0.00002.
gnomAD v4.1: 24 of 1,612,740 alleles (0.0015%); highest among the groups gnomAD compares: East Asian, 0.0045%; no homozygotes.

Submission:

Baylor Genetics
Classification: Uncertain significance for Neurodevelopmental disorder with microcephaly, seizures, and cortical atrophy. Last evaluated: 2018-05-19. Review status: criteria provided, single submitter. Criteria: ACMG Guidelines, 2015. Collection method: clinical testing. Allele origin: paternal. Affected: yes.
Comment: This variant was determined to be of uncertain significance according to ACMG Guidelines, 2015 [PMID:25741868].